The following is an entry in ClinVar:

ClinVar aggregate classification (germline): Pathogenic/Likely pathogenic. Review status: criteria provided, multiple submitters, no conflicts (2 of 4 stars). 3 submissions from 3 submitters: Pathogenic (2); Likely pathogenic (1). Last evaluated 2026-09-09.

Conditions:
Inborn genetic diseases. Identifiers: MedGen C0950123, MeSH D030342.
Tumor predisposition syndrome 2 (TPDS2). Also called: MBD4-ASSOCIATED NEOPLASIA SYNDROME; MBD4-Related Tumor Predisposition Syndrome; MBD4-associated neoplasia syndrome (MANS). Identifiers: Orphanet 661526, MedGen C5774186, MONDO:0859267, OMIM 619975.

Submissions (3):

Myriad Genetics, Inc.
Classification: Pathogenic for Tumor predisposition syndrome 2. Last evaluated: 2026-09-09. Review status: criteria provided, single submitter. Criteria: Myriad Autosomal Dominant, Autosomal Recessive and X-Linked Classification Criteria (2023). Collection method: clinical testing. Allele origin: unknown.
Comment: This variant is considered pathogenic. This variant creates a frameshift predicted to result in premature protein truncation.

CeGaT Center for Human Genetics Tuebingen
Classification: Likely pathogenic. Last evaluated: 2025-02-01. Review status: criteria provided, single submitter. Criteria: CeGaT Center For Human Genetics Tuebingen Variant Classification Criteria Version 2. Collection method: clinical testing. Allele origin: germline. Affected: yes. Observed: 1 variant allele.
Comment: MBD4: PVS1:Strong, PM2

Ambry Genetics
Classification: Pathogenic for Inborn genetic diseases. Last evaluated: 2025-01-30. Review status: criteria provided, single submitter. Criteria: Ambry Variant Classification Scheme 2023. Collection method: clinical testing. Allele origin: germline.
Comment: The c.778delA pathogenic mutation, located in coding exon 3 of the MBD4 gene, results from a deletion of one nucleotide at nucleotide position 778, causing a translational frameshift with a predicted alternate stop codon (p.S260Vfs*43). This variant is considered to be rare based on population cohorts in the Genome Aggregation Database (gnomAD). This alteration is expected to result in loss of function by premature protein truncation or nonsense-mediated mRNA decay. As such, this alteration is interpreted as a disease-causing mutation.

NM_001276270.2(MBD4):c.778del (p.Ser260fs)

Gene: MBD4 (methyl-CpG binding domain 4, DNA glycosylase; minus strand). Cytogenetic location: 3q21.3.
Variant type: Deletion.
Coding change: c.778del on transcript NM_001276270.2 (MANE Select); coding-DNA position 778, one base deleted (A; older notation c.778delA).
Protein change: p.Ser260fs; shifts the reading frame from serine 260.
Molecular consequence: frameshift variant. On other transcripts: intron variant (1).
Genome position (GRCh38, 1-based): chr3:129,436,866, T deleted on the plus strand (A on the coding strand, the reverse complement: MBD4 is on the minus strand); the first of 3 consecutive T bases (chr3:129,436,866-129,436,868); deleting any one gives the same sequence. VCF-style (leftmost placement, unchanged base first): chr3-129436865-CT-C. GRCh37 (hg19) VCF-style: chr3-129155708-CT-C.
Other names: c.778del, p.Ser260fs (NM_001276271.2, NM_001276272.2, NM_003925.3); c.247+942del (NM_001276273.2); c.778delA (NM_001276270.2); short protein forms S260fs.
Identifiers: ClinVar variation 3778386 (VCV003778386.8).